The following is an entry in ClinVar:

ClinVar aggregate classification (germline): Uncertain significance (1 of 4 stars; one submission).

Submission:

GeneDx
Classification: Uncertain significance. Last evaluated: 2025-07-11. Review status: criteria provided, single submitter. Criteria: GeneDx Variant Classification Process June 2021. Collection method: clinical testing. Allele origin: germline.
Comment: Not observed at significant frequency in large population cohorts (gnomAD); In silico analysis supports a deleterious effect on protein structure/function; Has not been previously published as pathogenic or benign to our knowledge

NM_004444.5(EPHB4):c.758_759delinsCT (p.Cys253Ser)

Gene: EPHB4 (EPH receptor B4; minus strand). Cytogenetic location: 7q22.1.
Variant type: Indel.
Coding change: c.758_759delinsCT on transcript NM_004444.5 (MANE Select); coding-DNA positions 758 to 759, GC replaced by CT.
Protein change: p.Cys253Ser; replaces cysteine 253 with serine.
Molecular consequence: missense variant.
Genome position (GRCh38, 1-based): chr7:100,822,320-100,822,321, GC replaced by AG on the plus strand (GC replaced by CT on the coding strand, the reverse complement: EPHB4 is on the minus strand). VCF-style: chr7-100822320-GC-AG. GRCh37 (hg19) VCF-style: chr7-100419942-GC-AG.
Other names: short protein forms C253S.
Identifiers: ClinVar variation 3370094 (VCV003370094.2).
Genomic context (GRCh38, chr7:100,822,320, plus strand): 5'-CCAGCTCTCACCTCGGCACTTGGTGTTCCCCTCAGCTGCCTCGAACCCCGGAGCACAGCT[GC>AG]AGCCCGTGACCGGCTGTTCGGCCCACTGGCCATCCTCACGGCAGTAGAGGCTGGGGCTGG-3'
Protein context (NP_004435.3, residues 243-263): GQWAEQPVTG[Cys253Ser]SCAPGFEAAE